The following is an entry in ClinVar:

NM_015294.6(TRIM37):c.617-1G>A

Gene: TRIM37 (tripartite motif containing 37; minus strand). Cytogenetic location: 17q22.
Variant type: single nucleotide variant.
Coding change: c.617-1G>A on transcript NM_015294.6 (MANE Select); the canonical splice acceptor site of the intron before coding-DNA position 617, G replaced by A.
Molecular consequence: splice acceptor variant.
Genome position (GRCh38, 1-based): chr17:59,075,715, C>T on the plus strand (G>A on the coding strand, the complement: TRIM37 is on the minus strand). VCF-style: chr17-59075715-C-T. GRCh37 (hg19) VCF-style: chr17-57153076-C-T.
Other names: c.617-1G>A (NM_001320989.3, NM_001005207.5, NM_001353086.2 and 2 more transcripts); c.155-1G>A (NM_001353085.2); c.515-1G>A (NM_001320987.3, NM_001353082.2); c.-136-1G>A (NM_001353083.2); c.251-1G>A (NM_001320990.3).
Identifiers: ClinVar variation 2633907 (VCV002633907.4), dbSNP rs2042759492, ClinGen allele CA400409199.
Genomic context (GRCh38, chr17:59,075,715, plus strand): 5'-CCACCTCCTGAAGTAAGGATTCCAAAAGCTCTGTTTCTTGGGTTAGAGATGTCTTCTGAC[C>T]TGATGAAAAATAGTGAATCATCAACACTTGGGTTCATTATTGGTTTAAGAATGAAATTAA-3'

ClinVar aggregate classification (germline): Likely pathogenic. Review status: criteria provided, multiple submitters, no conflicts (2 of 4 stars). 2 submissions from 2 submitters: Likely pathogenic (2). Last evaluated 2023-06-05.

Conditions:
TRIM37-related disorder. Also called: TRIM37-related condition.

Allele frequency attached by ClinVar (database versions not stated): TOPMed below 0.00001; gnomAD 0.00001; gnomAD exomes 0.00002.
gnomAD v4.1: 24 of 1,608,306 alleles (0.0015%); highest among the groups gnomAD compares: Non-Finnish European, 0.002%; no homozygotes.

Submissions (2):

Labcorp Genetics (formerly Invitae), Labcorp
Classification: Likely pathogenic. Last evaluated: 2023-06-05. Review status: criteria provided, single submitter. Criteria: Invitae Variant Classification Sherloc (09022015). Collection method: clinical testing. Allele origin: germline.
Comment: Algorithms developed to predict the effect of sequence changes on RNA splicing suggest that this variant may disrupt the consensus splice site. This variant has not been reported in the literature in individuals affected with TRIM37-related conditions. This variant is not present in population databases (gnomAD no frequency). This sequence change affects an acceptor splice site in intron 7 of the TRIM37 gene. It is expected to disrupt RNA splicing. Variants that disrupt the donor or acceptor splice site typically lead to a loss of protein function (PMID: 16199547), and loss-of-function variants in TRIM37 are known to be pathogenic (PMID: 10888877, 15108285). In summary, the currently available evidence indicates that the variant is pathogenic, but additional data are needed to prove that conclusively. Therefore, this variant has been classified as Likely Pathogenic.

PreventionGenetics, part of Exact Sciences
Classification: Likely pathogenic for TRIM37-related condition. Last evaluated: 2023-03-31. Review status: criteria provided, single submitter. Criteria: ACMG Guidelines, 2015. Collection method: clinical testing. Allele origin: germline.
Comment: The TRIM37 c.617-1G>A variant is predicted to disrupt the AG splice acceptor site and interfere with normal splicing. To our knowledge, this variant has not been reported in the literature or in a large population database, indicating this variant is rare. Variants that disrupt the consensus splice acceptor site in TRIM37 are expected to be pathogenic. This variant is interpreted as likely pathogenic.

Literature cited by the submitters: PubMed 16199547 (cited by Labcorp Genetics (formerly Invitae), Labcorp); PubMed 10888877 (cited by Labcorp Genetics (formerly Invitae), Labcorp); PubMed 15108285 (cited by Labcorp Genetics (formerly Invitae), Labcorp).